The following is an entry in ClinVar:

NM_000138.5(FBN1):c.83A>G (p.Asn28Ser)

Genes: FBN1 (fibrillin 1; minus strand), LOC130057019 (ATAC-STARR-seq lymphoblastoid silent region 6417; plus strand). Cytogenetic location: 15q21.1.
Variant type: single nucleotide variant.
Coding change: c.83A>G on transcript NM_000138.5 (MANE Select); coding-DNA position 83, A replaced by G.
Protein change: p.Asn28Ser; replaces asparagine 28 with serine.
Molecular consequence: missense variant.
Genome position (GRCh38, 1-based): chr15:48,644,687, T>C on the plus strand (A>G on the coding strand, the complement: FBN1 is on the minus strand). VCF-style: chr15-48644687-T-C. GRCh37 (hg19) VCF-style: chr15-48936884-T-C.
Other names: p.N28S:AAT>AGT; short protein forms N28S.
Identifiers: ClinVar variation 36130 (VCV000036130.26), dbSNP rs193922245, ClinGen allele CA017720.

ClinVar aggregate classification (germline): Conflicting classifications of pathogenicity. Review status: criteria provided, conflicting classifications (1 of 4 stars). 8 submissions from 8 submitters: Uncertain significance (4); Likely benign (4). Last evaluated 2026-02-04.

Conditions:
Acromicric dysplasia (ACMICD). Also called: Acromicric skeletal dysplasia. Identifiers: Orphanet 969, MedGen C0265287, MONDO:0007055, OMIM 102370.
Marfan syndrome (MFS). Also called: FBN1-Related Marfan Syndrome; Marfan syndrome type 1; Marfan's syndrome; Marfan syndrome, classic; MARFAN SYNDROME, TYPE I. Identifiers: Orphanet 284963, Orphanet 558, MedGen C0024796, MONDO:0007947, OMIM 154700.
Progeroid and marfanoid aspect-lipodystrophy syndrome. Also called: MARFANOID-PROGEROID-LIPODYSTROPHY SYNDROME; MARFANOID-PROGEROID SYNDROME; MARFAN-PROGEROID-LIPODYSTROPHY SYNDROME; Marfan lipodystrophy syndrome. Identifiers: Orphanet 300382, MedGen C4310796, MONDO:0014831, OMIM 616914.
Stiff skin syndrome (SSKS). Identifiers: Orphanet 2833, MedGen C1861456, MONDO:0008492, OMIM 184900.
Geleophysic dysplasia 2 (GPHYSD2). Identifiers: Orphanet 2623, MedGen C3280054, MONDO:0013612, OMIM 614185.
Weill-Marchesani syndrome 2, dominant. Also called: Weill-Marchesani Syndrome, Autosomal Dominant; FBN1-Related Weill-Marchesani Syndrome. Identifiers: Orphanet 2084, MedGen C1869115, MONDO:0012013, OMIM 608328.
MASS syndrome (OCTD). Also called: OVERLAP CONNECTIVE TISSUE DISEASE; MASS PHENOTYPE. Identifiers: MedGen C1858556, MONDO:0011431, OMIM 604308.
Ectopia lentis 1, isolated, autosomal dominant (ECTOL1). Identifiers: Orphanet 1885, MedGen C3541518, MONDO:0007514, OMIM 129600.
Familial thoracic aortic aneurysm and aortic dissection (TAAD). Also called: Thoracic aortic aneurysms and dissections. Identifiers: Orphanet 91387, MedGen C4707243, MONDO:0019625.

Allele frequency attached by ClinVar (database versions not stated): gnomAD exomes 0.00005 and 0.00009; TOPMed 0.00003; gnomAD 0.00005; ExAC 0.00007.
gnomAD v4.1: 138 of 1,614,070 alleles (0.0085%); highest among the groups gnomAD compares: Non-Finnish European, 0.011%; no homozygotes.

Submissions (8):

Labcorp Genetics (formerly Invitae), Labcorp
Classification: Likely benign for Marfan syndrome; Familial thoracic aortic aneurysm and aortic dissection. Last evaluated: 2026-02-04. Review status: criteria provided, single submitter. Criteria: Invitae Variant Classification Sherloc (09022015). Collection method: clinical testing. Allele origin: germline.

Color Diagnostics, LLC DBA Color Health
Classification: Likely benign for Familial thoracic aortic aneurysm and aortic dissection. Last evaluated: 2025-11-04. Review status: criteria provided, single submitter. Criteria: ACMG Guidelines, 2015. Collection method: clinical testing. Allele origin: germline.

Women's Health and Genetics/Laboratory Corporation of America, LabCorp
Classification: Likely benign. Last evaluated: 2025-10-20. Review status: criteria provided, single submitter. Criteria: LabCorp Variant Classification Summary - May 2015. Collection method: clinical testing. Allele origin: germline.
Comment: Variant summary: FBN1 c.83A>G (p.Asn28Ser) results in a conservative amino acid change in the encoded protein sequence. Algorithms developed to predict the effect of missense changes on protein structure and function all suggest that this variant is likely to be tolerated. The variant allele was found at a frequency of 8.6e-05 in 1607076 control chromosomes (i.e. in 138 carriers), predominantly at a frequency of 0.00011 within the Non-Finnish European subpopulation in the gnomAD database (v4.1 dataset). This frequency is similar to the estimated maximum for disease-causing variants in FBN1, suggesting that this variant is likely not associated with a high penetrance, severe, early onset disease phenotype in heterozygous state. c.83A>G has been observed in individual(s) affected with sudden unexplained death (Sanchez_2016, Nun_2015) and was listed in a study assessing database occurrences of FBN1 variants, however no supportive evidence for causality was provided in these reports (Groth_2017). These reports therefore do not provide unequivocal conclusions about association of the variant with Marfan Syndrome. To our knowledge, no experimental evidence demonstrating an impact on protein function has been reported. The following publications have been ascertained in the context of this evaluation (PMID: 27930701, 27906200, 26498160). ClinVar contains an entry for this variant (Variation ID: 36130). Based on the evidence outlined above, the variant was classified as likely benign.

Ambry Genetics
Classification: Uncertain significance for Familial thoracic aortic aneurysm and aortic dissection. Last evaluated: 2024-11-08. Review status: criteria provided, single submitter. Criteria: Ambry Variant Classification Scheme 2023. Collection method: clinical testing. Allele origin: germline.
Comment: The p.N28S variant (also known as c.83A>G), located in coding exon 1 of the FBN1 gene, results from an A to G substitution at nucleotide position 83. The asparagine at codon 28 is replaced by serine, an amino acid with highly similar properties. This amino acid position is well conserved in available vertebrate species. In addition, this alteration is predicted to be tolerated by in silico analysis. Based on the available evidence, the clinical significance of this variant remains unclear.

ARUP Laboratories, Molecular Genetics and Genomics, ARUP Laboratories
Classification: Likely benign. Last evaluated: 2024-07-09. Review status: criteria provided, single submitter. Criteria: ARUP Molecular Germline Variant Investigation Process 2024. Collection method: clinical testing. Allele origin: germline.

All of Us Research Program, National Institutes of Health
Classification: Uncertain significance for Marfan syndrome. Last evaluated: 2024-01-11. Review status: criteria provided, single submitter. Criteria: ACMG Guidelines, 2015. Collection method: clinical testing. Allele origin: germline. Inheritance: Autosomal dominant inheritance. Observed: 4 variant alleles, 4 heterozygotes.
Comment: This missense variant replaces asparagine with serine at codon 28 of the FBN1 protein. Computational prediction tool suggests that this variant may not impact protein structure and function (internally defined REVEL score threshold <=0.5, PMID: 27666373). To our knowledge, functional studies have not been performed for this variant. This variant has not been reported in individuals affected with cardiovascular disorders in the literature. This variant has been identified in 13/282862 chromosomes in the general population by the Genome Aggregation Database (gnomAD). The available evidence is insufficient to determine the role of this variant in disease conclusively. Therefore, this variant is classified as a Variant of Uncertain Significance.

This study involves interpretation of variants in research participants for the purpose of population health screening. Participant phenotype was not available at the time of variant classification. Additional details can be found in publication PMID: 35346344, PMCID: PMC8962531

GeneDx
Classification: Uncertain significance. Last evaluated: 2022-05-19. Review status: criteria provided, single submitter. Criteria: GeneDx Variant Classification Process June 2021. Collection method: clinical testing. Allele origin: germline. Affected: yes.
Comment: In silico analysis supports that this missense variant has a deleterious effect on protein structure/function; Does not affect a cysteine residue within a calcium-binding EGF-like domain of the FBN1 gene; cysteine substitutions in the calcium-binding EGF-like domains represent the majority of pathogenic missense changes associated with FBN1-related disorders (Collod-Beroud et al., 2003).; This variant is associated with the following publications: (PMID: 27930701, 27906200)

Fulgent Genetics
Classification: Uncertain significance for Acromicric dysplasia; Ectopia lentis 1, isolated, autosomal dominant; Marfan syndrome; Stiff skin syndrome; MASS syndrome; Weill-Marchesani syndrome 2, dominant; Geleophysic dysplasia 2; Progeroid and marfanoid aspect-lipodystrophy syndrome. Last evaluated: 2021-07-27. Review status: criteria provided, single submitter. Criteria: ACMG Guidelines, 2015. Collection method: clinical testing. Allele origin: unknown.

Literature cited by the submitters: PubMed 26498160 (cited by Women's Health and Genetics/Laboratory Corporation of America, LabCorp); PubMed 27930701 (cited by Women's Health and Genetics/Laboratory Corporation of America, LabCorp); PubMed 27906200 (cited by Women's Health and Genetics/Laboratory Corporation of America, LabCorp).